The following is an entry in ClinVar:

ClinVar aggregate classification (germline): Likely benign. Review status: criteria provided, multiple submitters, no conflicts (2 of 4 stars). 2 submissions from 2 submitters: Likely benign (2). Last evaluated 2025-02-17.

Allele frequency attached by ClinVar (database versions not stated): ESP Exome Variant Server 0.00022; gnomAD exomes 0.00002 and 0.00003; TOPMed 0.00013; 1000 Genomes Project 30x 0.00016; ExAC 0.00009; gnomAD 0.00015 and 0.00012; 1000 Genomes Project 0.00020.
gnomAD v4.1: 49 of 1,552,240 alleles (0.0032%); highest among the groups gnomAD compares: African/African-American, 0.056%; no homozygotes.

Submissions (2):

Labcorp Genetics (formerly Invitae), Labcorp
Classification: Likely benign. Last evaluated: 2025-02-17. Review status: criteria provided, single submitter. Criteria: Invitae Variant Classification Sherloc (09022015). Collection method: clinical testing. Allele origin: germline.

Laboratory for Molecular Medicine, Mass General Brigham Personalized Medicine
Classification: Likely benign. Last evaluated: 2017-08-23. Review status: criteria provided, single submitter. Criteria: LMM Criteria. Collection method: clinical testing. Allele origin: germline. Observed: 1 variant allele.
Comment: p.Ile143Ile in exon 1 of CLIC5: This variant is not expected to have clinical si gnificance because it does not alter an amino acid residue and is not located wi thin the splice consensus sequence. It has been identified in 0.08% (2/2370) of African chromosomes by the Exome Aggregation Consortium (ExAC; dbSNP rs376156807).

NC_000006.12:g.46079814A>T

Gene: CLIC5 (CLIC family member 5; minus strand). Cytogenetic location: 6p21.1.
Variant type: single nucleotide variant.
Molecular consequence: synonymous variant (on NM_001114086.2). On other transcripts: intron variant (1).
Genome position: GRCh38 VCF-style: chr6-46079814-A-T. GRCh37 (hg19) VCF-style: chr6-46047551-A-T.
Other names: c.429T>A, p.Ile143= (NM_001114086.2, NM_001370650.1); c.-55+49690T>A (NM_001370649.1).
Identifiers: ClinVar variation 666676 (VCV000666676.8), dbSNP rs376156807, ClinGen allele CA3836975.
Genomic context (GRCh38, chr6:46,079,814, plus strand): 5'-CAAACCTTCAGCATCAGAATAGCAGGAATACTTGGTGGTAGAGAAGGCCTTACTGTGCTG[A>T]ATGGTGAAGCTTGAAGGAGAAGGCAGATCTTCCTTCATCACACTCCCATTCTCCTGGAGT-3'